The following is an entry in ClinVar:

NM_001040108.2(MLH3):c.2884A>C (p.Asn962His)

Gene: MLH3 (mutL homolog 3; minus strand). Cytogenetic location: 14q24.3.
Variant type: single nucleotide variant.
Coding change: c.2884A>C on transcript NM_001040108.2 (MANE Select); coding-DNA position 2884, A replaced by C.
Protein change: p.Asn962His; replaces asparagine 962 with histidine.
Molecular consequence: missense variant.
Genome position (GRCh38, 1-based): chr14:75,046,772, T>G on the plus strand (A>C on the coding strand, the complement: MLH3 is on the minus strand). VCF-style: chr14-75046772-T-G. GRCh37 (hg19) VCF-style: chr14-75513475-T-G.
Other names: c.2884A>C, p.Asn962His (NM_014381.3); short protein forms N962H.
Identifiers: ClinVar variation 4552114 (VCV004552114.1).

ClinVar aggregate classification (germline): Uncertain significance (1 of 4 stars; one submission).

Submission:

Ambry Genetics
Classification: Uncertain significance. Last evaluated: 2025-11-05. Review status: criteria provided, single submitter. Criteria: Ambry Variant Classification Scheme 2023. Collection method: clinical testing. Allele origin: germline.
Comment: The p.N962H variant (also known as c.2884A>C), located in coding exon 1 of the MLH3 gene, results from an A to C substitution at nucleotide position 2884. The asparagine at codon 962 is replaced by histidine, an amino acid with similar properties. This amino acid position is conserved. In addition, this alteration is predicted to be tolerated by in silico analysis. Based on the available evidence, the clinical significance of this variant remains unclear.